The following is an entry in ClinVar:

NM_006017.3(PROM1):c.1204A>G (p.Ile402Val)

Gene: PROM1 (prominin 1; minus strand). Cytogenetic location: 4p15.32.
Variant type: single nucleotide variant.
Coding change: c.1204A>G on transcript NM_006017.3 (MANE Select); coding-DNA position 1204, A replaced by G.
Protein change: p.Ile402Val; replaces isoleucine 402 with valine.
Molecular consequence: missense variant.
Genome position (GRCh38, 1-based): chr4:16,009,046, T>C on the plus strand (A>G on the coding strand, the complement: PROM1 is on the minus strand). VCF-style: chr4-16009046-T-C. GRCh37 (hg19) VCF-style: chr4-16010669-T-C.
Other names: c.1177A>G, p.Ile393Val (NM_001145847.2, NM_001145848.2, NM_001145851.2 and 4 more transcripts); c.1204A>G, p.Ile402Val (NM_001145849.2, NM_001145850.2); short protein forms I402V, I393V.
Identifiers: ClinVar variation 960073 (VCV000960073.9), dbSNP rs1726218291, ClinGen allele CA356436948.
Genomic context (GRCh38, chr4:16,009,046, plus strand): 5'-TGTGGATGTAACTTTCAGTGTTATTAACATAAACAGAGAATGCTGAGAGTATATCCTGAA[T>C]AGGAAGACGCTGAGTTACATTGTCGATATCTGAACCAATGGAATTCAAGACCCTTTTGAT-3'
Protein context (NP_006008.1, residues 392-412): DIDNVTQRLP[Ile402Val]QDILSAFSVY

ClinVar aggregate classification (germline): Uncertain significance (1 of 4 stars; one submission).

Submission:

Labcorp Genetics (formerly Invitae), Labcorp
Classification: Uncertain significance. Last evaluated: 2020-01-24. Review status: criteria provided, single submitter. Criteria: Invitae Variant Classification Sherloc (09022015). Collection method: clinical testing. Allele origin: germline.
Comment: In summary, the available evidence is currently insufficient to determine the role of this variant in disease. Therefore, it has been classified as a Variant of Uncertain Significance. Algorithms developed to predict the effect of missense changes on protein structure and function output the following: SIFT: "Tolerated"; PolyPhen-2: "Benign"; Align-GVGD: "Class C0". The valine amino acid residue is found in multiple mammalian species, suggesting that this missense change does not adversely affect protein function. These predictions have not been confirmed by published functional studies and their clinical significance is uncertain. This variant has not been reported in the literature in individuals with PROM1-related conditions. This variant is not present in population databases (ExAC no frequency). This sequence change replaces isoleucine with valine at codon 402 of the PROM1 protein (p.Ile402Val). The isoleucine residue is moderately conserved and there is a small physicochemical difference between isoleucine and valine.